The following is an entry in ClinVar:

ClinVar aggregate classification (germline): Uncertain significance (1 of 4 stars; one submission).

Conditions:
Severe combined immunodeficiency due to DNA-PKcs deficiency. Also called: Immunodeficiency 26 with or without neurologic abnormalities; IMMUNODEFICIENCY 26 WITH NEUROLOGIC ABNORMALITIES. Identifiers: Orphanet 317425, MedGen C4014833, MONDO:0014423, OMIM 615966.

Submission:

Labcorp Genetics (formerly Invitae), Labcorp
Classification: Uncertain significance for Severe combined immunodeficiency due to DNA-PKcs deficiency. Last evaluated: 2022-07-15. Review status: criteria provided, single submitter. Criteria: Invitae Variant Classification Sherloc (09022015). Collection method: clinical testing. Allele origin: germline.
Comment: This variant is not present in population databases (gnomAD no frequency). In summary, the available evidence is currently insufficient to determine the role of this variant in disease. Therefore, it has been classified as a Variant of Uncertain Significance. Variants that disrupt the consensus splice site are a relatively common cause of aberrant splicing (PMID: 17576681, 9536098). Algorithms developed to predict the effect of sequence changes on RNA splicing suggest that this variant may disrupt the consensus splice site. This variant has not been reported in the literature in individuals affected with PRKDC-related conditions. This sequence change falls in intron 46 of the PRKDC gene. It does not directly change the encoded amino acid sequence of the PRKDC protein. It affects a nucleotide within the consensus splice site.

Literature cited by the submitters: PubMed 17576681; PubMed 9536098.

NM_006904.7(PRKDC):c.6208-3C>G

Gene: PRKDC (protein kinase, DNA-activated, catalytic subunit; minus strand). Cytogenetic location: 8q11.21.
Variant type: single nucleotide variant.
Coding change: c.6208-3C>G on transcript NM_006904.7 (MANE Select); 3 bases into the intron before coding-DNA position 6208, C replaced by G.
Molecular consequence: intron variant.
Genome position (GRCh38, 1-based): chr8:47,858,989, G>C on the plus strand (C>G on the coding strand, the complement: PRKDC is on the minus strand). VCF-style: chr8-47858989-G-C. GRCh37 (hg19) VCF-style: chr8-48771550-G-C.
Other names: c.6208-3C>G (NM_001081640.2).
Identifiers: ClinVar variation 2012899 (VCV002012899.4), dbSNP rs2088612676, ClinGen allele CA2580078354.